The following is an entry in ClinVar:

ClinVar aggregate classification (germline): Uncertain significance. Review status: criteria provided, multiple submitters, no conflicts (2 of 4 stars). 3 submissions from 3 submitters: Uncertain significance (3). Last evaluated 2025-09-24.

Allele frequency attached by ClinVar (database versions not stated): ESP Exome Variant Server 0.00038.

Submissions (3):

Labcorp Genetics (formerly Invitae), Labcorp
Classification: Uncertain significance. Last evaluated: 2025-09-24. Review status: criteria provided, single submitter. Criteria: Invitae Variant Classification Sherloc (09022015). Collection method: clinical testing. Allele origin: germline.
Comment: This sequence change replaces arginine, which is basic and polar, with histidine, which is basic and polar, at codon 141 of the WNT3A protein (p.Arg141His). This variant is present in population databases (rs148616293, gnomAD 0.03%). This variant has not been reported in the literature in individuals affected with WNT3A-related conditions. ClinVar contains an entry for this variant (Variation ID: 1491708). An algorithm developed to predict the effect of missense changes on protein structure and function (PolyPhen-2) suggests that this variant is likely to be tolerated. In summary, the available evidence is currently insufficient to determine the role of this variant in disease. Therefore, it has been classified as a Variant of Uncertain Significance.

Ambry Genetics
Classification: Uncertain significance. Last evaluated: 2025-04-25. Review status: criteria provided, single submitter. Criteria: Ambry Variant Classification Scheme 2023. Collection method: clinical testing. Allele origin: germline.

Breakthrough Genomics
Classification: Uncertain significance. Review status: criteria provided, single submitter. Criteria: ACMG Guidelines, 2015. Collection method: not provided. Allele origin: germline. Inheritance: Unknown mechanism. Affected: yes.

NM_033131.4(WNT3A):c.422G>A (p.Arg141His)

Gene: WNT3A (Wnt family member 3A; plus strand). Cytogenetic location: 1q42.13.
Variant type: single nucleotide variant.
Coding change: c.422G>A on transcript NM_033131.4 (MANE Select); coding-DNA position 422, G replaced by A.
Protein change: p.Arg141His; replaces arginine 141 with histidine.
Molecular consequence: missense variant.
Genome position (GRCh38, 1-based): chr1:228,050,764, G>A. VCF-style: chr1-228050764-G-A. GRCh37 (hg19) VCF-style: chr1-228238465-G-A.
Other names: c.422G>A (NM_033131.3); short protein forms R141H.
Identifiers: ClinVar variation 1491708 (VCV001491708.11), dbSNP rs148616293, ClinGen allele CA1429456.